The following is an entry in ClinVar:

ClinVar aggregate classification (germline): Uncertain significance (1 of 4 stars; one submission).

Conditions:
X-linked distal spinal muscular atrophy type 3. Also called: SPINAL MUSCULAR ATROPHY, DISTAL, X-LINKED RECESSIVE; NEURONOPATHY, DISTAL HEREDITARY MOTOR, X-LINKED; NEUROPATHY, DISTAL HEREDITARY MOTOR, X-LINKED; ATP7A-Related Distal Motor Neuropathy. Identifiers: Orphanet 139557, MedGen C1845359, MONDO:0010338, OMIM 300489.
Menkes kinky-hair syndrome (MNK). Also called: Classic Menkes Disease; Menkes Disease; Copper transport disease. Identifiers: Orphanet 565, MedGen C0022716, MONDO:0010651, OMIM 309400.
Cutis laxa, X-linked (OHS). Also called: EDS IX; Occipital horn syndrome. Identifiers: Orphanet 198, MedGen C0268353, MONDO:0010572, OMIM 304150.

gnomAD v4.1: 3 of 1,211,308 alleles (0.00025%); highest among the groups gnomAD compares: Non-Finnish European, 0.00022%; no homozygotes.

Submission:

Labcorp Genetics (formerly Invitae), Labcorp
Classification: Uncertain significance for X-linked distal spinal muscular atrophy type 3; Cutis laxa, X-linked; Menkes kinky-hair syndrome. Last evaluated: 2025-02-19. Review status: criteria provided, single submitter. Criteria: Invitae Variant Classification Sherloc (09022015). Collection method: clinical testing. Allele origin: germline.
Comment: This sequence change replaces arginine, which is basic and polar, with leucine, which is neutral and non-polar, at codon 1455 of the ATP7A protein (p.Arg1455Leu). This variant is not present in population databases (gnomAD no frequency). This variant has not been reported in the literature in individuals affected with ATP7A-related conditions. ClinVar contains an entry for this variant (Variation ID: 1023443). Invitae Evidence Modeling of protein sequence and biophysical properties (such as structural, functional, and spatial information, amino acid conservation, physicochemical variation, residue mobility, and thermodynamic stability) indicates that this missense variant is not expected to disrupt ATP7A protein function with a negative predictive value of 95%. In summary, the available evidence is currently insufficient to determine the role of this variant in disease. Therefore, it has been classified as a Variant of Uncertain Significance.

NM_000052.7(ATP7A):c.4364G>T (p.Arg1455Leu)

Gene: ATP7A (ATPase copper transporting alpha; plus strand). Cytogenetic location: Xq21.1.
Variant type: single nucleotide variant.
Coding change: c.4364G>T on transcript NM_000052.7 (MANE Select); coding-DNA position 4364, G replaced by T.
Protein change: p.Arg1455Leu; replaces arginine 1455 with leucine.
Molecular consequence: missense variant. On other transcripts: non-coding transcript variant (1).
Genome position (GRCh38, 1-based): chrX:78,046,431, G>T. VCF-style: chrX-78046431-G-T. GRCh37 (hg19) VCF-style: chrX-77301928-G-T.
Other names: c.4130G>T, p.Arg1377Leu (NM_001282224.2); short protein forms R1377L, R1455L.
Identifiers: ClinVar variation 1023443 (VCV001023443.7), dbSNP rs147848649, ClinGen allele CA413606261.
Genomic context (GRCh38, chrX:78,046,431, plus strand): 5'-GCGTTCATGTTGGAATAGATGATACCTCAAGGAATTCTCCTAAACTGGGTTTGCTGGACC[G>T]GATTGTTAATTATAGCAGAGCCTCTATAAACTCACTACTGTCTGATAAACGCTCCCTAAA-3'
Protein context (NP_000043.4, residues 1445-1465): RNSPKLGLLD[Arg1455Leu]IVNYSRASIN